The following is an entry in ClinVar:

ClinVar aggregate classification (germline): Uncertain significance (1 of 4 stars; one submission).

Conditions:
TNFAIP3-related disorder. Also called: TNFAIP3-related condition.

Allele frequency attached by ClinVar (database versions not stated): TOPMed below 0.00001.
gnomAD v4.1: 83 of 1,613,728 alleles (0.0051%); highest among the groups gnomAD compares: Non-Finnish European, 0.007%; no homozygotes.

Submission:

PreventionGenetics, part of Exact Sciences
Classification: Uncertain significance for TNFAIP3-related condition. Last evaluated: 2023-04-06. Review status: criteria provided, single submitter. Criteria: ACMG Guidelines, 2015. Collection method: clinical testing. Allele origin: germline.
Comment: The TNFAIP3 c.875C>T variant is predicted to result in the amino acid substitution p.Thr292Ile. To our knowledge, this variant has not been reported in the literature or in a large population database, indicating this variant is rare. At this time, the clinical significance of this variant is uncertain due to the absence of conclusive functional and genetic evidence.

NM_001270508.2(TNFAIP3):c.875C>T (p.Thr292Ile)

Gene: TNFAIP3 (TNF alpha induced protein 3; plus strand). Cytogenetic location: 6q23.3.
Variant type: single nucleotide variant.
Coding change: c.875C>T on transcript NM_001270508.2 (MANE Select); coding-DNA position 875, C replaced by T.
Protein change: p.Thr292Ile; replaces threonine 292 with isoleucine.
Molecular consequence: missense variant.
Genome position (GRCh38, 1-based): chr6:137,877,145, C>T. VCF-style: chr6-137877145-C-T. GRCh37 (hg19) VCF-style: chr6-138198282-C-T.
Other names: c.875C>T, p.Thr292Ile (NM_001270507.2, NM_006290.4); short protein forms T292I.
Identifiers: ClinVar variation 2633542 (VCV002633542.1), dbSNP rs1178336615, ClinGen allele CA365787211.
Genomic context (GRCh38, chr6:137,877,145, plus strand): 5'-CTGTTCCACTTGTTAACAGAGACCGGGGAAGATTTGAAGACTTAAAAGTTCACTTTTTGA[C>T]AGATCCTGAAAATGAGATGAAGGAGAAGCTCTTAAAAGAGTACTTAATGGTGATAGAAAT-3'
Protein context (NP_001257437.1, residues 282-302): RFEDLKVHFL[Thr292Ile]DPENEMKEKL